The following is an entry in ClinVar:

ClinVar aggregate classification (germline): Benign (1 of 4 stars; one submission).

Allele frequency attached by ClinVar (database versions not stated): TOPMed 0.27799; gnomAD 0.28838 and 0.29082; 1000 Genomes Project 30x 0.26936; 1000 Genomes Project 0.27276.

Submission:

GeneDx
Classification: Benign. Last evaluated: 2018-06-14. Review status: criteria provided, single submitter. Criteria: GeneDx Variant Classification (06012015). Collection method: clinical testing. Allele origin: germline. Affected: yes.
Comment: This variant is considered likely benign or benign based on one or more of the following criteria: it is a conservative change, it occurs at a poorly conserved position in the protein, it is predicted to be benign by multiple in silico algorithms, and/or has population frequency not consistent with disease.

NM_004239.4(TRIP11):c.4698+201G>A

Gene: TRIP11 (thyroid hormone receptor interactor 11; minus strand). Cytogenetic location: 14q32.12.
Variant type: single nucleotide variant.
Coding change: c.4698+201G>A on transcript NM_004239.4 (MANE Select); 201 bases into the intron after coding-DNA position 4698, G replaced by A.
Molecular consequence: intron variant.
Genome position (GRCh38, 1-based): chr14:91,999,767, C>T on the plus strand (G>A on the coding strand, the complement: TRIP11 is on the minus strand). VCF-style: chr14-91999767-C-T. GRCh37 (hg19) VCF-style: chr14-92466111-C-T.
Other names: c.4695+201G>A (NM_001321851.1).
Identifiers: ClinVar variation 667787 (VCV000667787.1), dbSNP rs10147971, ClinGen allele CA15820353.
Genomic context (GRCh38, chr14:91,999,767, plus strand): 5'-CACTTTTTCAGCAAATCTCATTTTTTTCACACTTTATGGGTGGGCAATTTTTCTTATATC[C>T]GAGATATGCCATGATTTTCACTTTTGAAGACTGAAATAAAATGCACCATGGGAGATTAAA-3'